The following is an entry in ClinVar:

ClinVar aggregate classification (germline): Uncertain significance. Review status: criteria provided, multiple submitters, no conflicts (2 of 4 stars). 2 submissions from 2 submitters: Uncertain significance (2). Last evaluated 2019-12-15.

Conditions:
Developmental and epileptic encephalopathy, 1 (DEE1). Also called: Epileptic encephalopathy, early infantile, 1; X-linked infantile spasms; West's syndrome; Tonic spasms with clustering, arrest of psychomotor development and hypsarrhythmia on EEG; X-Linked Infantile Spasm Syndrome; OHTAHARA SYNDROME, X-LINKED. Identifiers: MedGen C3463992, MONDO:0010632, OMIM 308350. Disease mechanism: loss of function.
Autosomal recessive spinocerebellar ataxia 12. Also called: SPINOCEREBELLAR ATAXIA WITH MENTAL RETARDATION AND EPILEPSY. Identifiers: Orphanet 284282, MedGen C3280452, MONDO:0013687, OMIM 614322.

Allele frequency attached by ClinVar (database versions not stated): ExAC 0.00001; gnomAD exomes 0.00001 and 0.00002.
gnomAD v4.1: 25 of 1,614,140 alleles (0.0015%); highest among the groups gnomAD compares: Non-Finnish European, 0.0019%; no homozygotes.

Submissions (2):

Labcorp Genetics (formerly Invitae), Labcorp
Classification: Uncertain significance for Developmental and epileptic encephalopathy, 1; Autosomal recessive spinocerebellar ataxia 12. Last evaluated: 2019-12-15. Review status: criteria provided, single submitter. Criteria: Invitae Variant Classification Sherloc (09022015). Collection method: clinical testing. Allele origin: germline.
Comment: This sequence change replaces valine with leucine at codon 231 of the WWOX protein (p.Val231Leu). The valine residue is moderately conserved and there is a small physicochemical difference between valine and leucine. This variant has not been reported in the literature in individuals with WWOX-related conditions. This variant is present in population databases (rs755974419, ExAC 0.001%). Algorithms developed to predict the effect of missense changes on protein structure and function are either unavailable or do not agree on the potential impact of this missense change (SIFT: "Not Available"; PolyPhen-2: "Possibly Damaging"; Align-GVGD: "Not Available"). In summary, the available evidence is currently insufficient to determine the role of this variant in disease. Therefore, it has been classified as a Variant of Uncertain Significance.

GeneDx
Classification: Uncertain significance. Last evaluated: 2019-09-06. Review status: criteria provided, single submitter. Criteria: GeneDx Variant Classification Process June 2021. Collection method: clinical testing. Allele origin: germline. Affected: yes.
Comment: Not observed at a significant frequency in large population cohorts (Lek et al., 2016); In silico analysis, which includes protein predictors and evolutionary conservation, supports that this variant does not alter protein structure/function; Has not been previously published as pathogenic or benign to our knowledge

NM_016373.4(WWOX):c.691G>C (p.Val231Leu)

Gene: WWOX (WW domain containing oxidoreductase; plus strand). Cytogenetic location: 16q23.1.
Variant type: single nucleotide variant.
Coding change: c.691G>C on transcript NM_016373.4 (MANE Select); coding-DNA position 691, G replaced by C.
Protein change: p.Val231Leu; replaces valine 231 with leucine.
Molecular consequence: missense variant.
Genome position (GRCh38, 1-based): chr16:78,424,955, G>C. VCF-style: chr16-78424955-G-C. GRCh37 (hg19) VCF-style: chr16-78458852-G-C.
Other names: c.352G>C, p.Val118Leu (NM_001291997.2); short protein forms V118L, V231L.
Identifiers: ClinVar variation 849901 (VCV000849901.9), dbSNP rs755974419, ClinGen allele CA8183417.